The following is an entry in ClinVar:

NM_000051.4(ATM):c.7805C>G (p.Ala2602Gly)

Genes: ATM (ATM serine/threonine kinase; plus strand), C11orf65 (chromosome 11 open reading frame 65; minus strand). Cytogenetic location: 11q22.3.
Variant type: single nucleotide variant.
Coding change: c.7805C>G on transcript NM_000051.4 (MANE Select); coding-DNA position 7805, C replaced by G.
Protein change: p.Ala2602Gly; replaces alanine 2602 with glycine.
Molecular consequence: missense variant. On other transcripts: intron variant (2).
Genome position (GRCh38, 1-based): chr11:108,332,778, C>G. VCF-style: chr11-108332778-C-G. GRCh37 (hg19) VCF-style: chr11-108203505-C-G.
Other names: c.7805C>G, p.Ala2602Gly (NM_001351834.2); c.641-23707G>C (NM_001330368.2); c.*38+2442G>C (NM_001351110.2); short protein forms A2602G.
Identifiers: ClinVar variation 1760706 (VCV001760706.2), dbSNP rs2136561852, ClinGen allele CA382561271.

ClinVar aggregate classification (germline): Uncertain significance (1 of 4 stars; one submission).

Conditions:
Hereditary cancer-predisposing syndrome. Also called: Hereditary neoplastic syndrome; Neoplastic Syndromes, Hereditary; Tumor predisposition; Hereditary Cancer Syndrome. Identifiers: Orphanet 140162, MedGen C0027672, MeSH D009386, MONDO:0015356.

Submission:

Ambry Genetics
Classification: Uncertain significance for Hereditary cancer-predisposing syndrome. Last evaluated: 2020-11-17. Review status: criteria provided, single submitter. Criteria: Ambry Variant Classification Scheme 2023. Collection method: clinical testing. Allele origin: germline.
Comment: The p.A2602G variant (also known as c.7805C>G), located in coding exon 52 of the ATM gene, results from a C to G substitution at nucleotide position 7805. The alanine at codon 2602 is replaced by glycine, an amino acid with similar properties. This amino acid position is highly conserved in available vertebrate species. In addition, the in silico prediction for this alteration is inconclusive. Since supporting evidence is limited at this time, the clinical significance of this alteration remains unclear.